The following is an entry in ClinVar:

NM_025114.4(CEP290):c.6308T>C (p.Leu2103Pro)

Genes: CEP290 (centrosomal protein 290; minus strand), LOC129390514 (MPRA-validated peak1864 silencer; plus strand). Cytogenetic location: 12q21.32.
Variant type: single nucleotide variant.
Coding change: c.6308T>C on transcript NM_025114.4 (MANE Select); coding-DNA position 6308, T replaced by C.
Protein change: p.Leu2103Pro; replaces leucine 2103 with proline.
Molecular consequence: missense variant.
Genome position (GRCh38, 1-based): chr12:88,062,741, A>G on the plus strand (T>C on the coding strand, the complement: CEP290 is on the minus strand). VCF-style: chr12-88062741-A-G. GRCh37 (hg19) VCF-style: chr12-88456518-A-G.
Other names: short protein forms L2103P.
Identifiers: ClinVar variation 5000592 (VCV005000592.1).

ClinVar aggregate classification (germline): Uncertain significance (1 of 4 stars; one submission).

Conditions:
CEP290-related disorder. Also called: CEP290-related condition; CEP290-related disorders. Identifiers: MedGen CN239314.

gnomAD v4.1: 3 of 1,597,426 alleles (0.00019%); highest among the groups gnomAD compares: Non-Finnish European, 0.00026%; no homozygotes.

Submission:

PreventionGenetics, part of Exact Sciences
Classification: Uncertain significance for CEP290-related condition. Last evaluated: 2025-06-26. Review status: criteria provided, single submitter. Criteria: ACMG Guidelines, 2015. Collection method: clinical testing. Allele origin: germline.
Comment: The CEP290 c.6308T>C variant is predicted to result in the amino acid substitution p.Leu2103Pro. To our knowledge, this variant has not been reported in the literature or in a large population database (gnomAD), indicating this variant is rare. At this time, the clinical significance of this variant is uncertain due to the absence of conclusive functional and genetic evidence.